The following is an entry in ClinVar:

ClinVar aggregate classification (germline): Uncertain significance (1 of 4 stars; one submission).

Submission:

Labcorp Genetics (formerly Invitae), Labcorp
Classification: Uncertain significance. Last evaluated: 2025-11-12. Review status: criteria provided, single submitter. Criteria: Invitae Variant Classification Sherloc (09022015). Collection method: clinical testing. Allele origin: germline.
Comment: This sequence change falls in intron 6 of the OPA1 gene. It does not directly change the encoded amino acid sequence of the OPA1 protein. It affects a nucleotide within the consensus splice site. This variant is present in population databases (rs754110003, gnomAD 0.01%). This variant has not been reported in the literature in individuals affected with OPA1-related conditions. ClinVar contains an entry for this variant (Variation ID: 2965178). Variants that disrupt the consensus splice site are a relatively common cause of aberrant splicing (PMID: 17576681, 9536098). Algorithms developed to predict the effect of sequence changes on RNA splicing suggest that this variant is not likely to affect RNA splicing. In summary, the available evidence is currently insufficient to determine the role of this variant in disease. Therefore, it has been classified as a Variant of Uncertain Significance.

Literature cited by the submitters: PubMed 17576681; PubMed 9536098.

NM_130837.3(OPA1):c.843+4dup

Gene: OPA1 (OPA1 mitochondrial dynamin like GTPase; plus strand). Cytogenetic location: 3q29.
Variant type: Duplication.
Coding change: c.843+4dup on transcript NM_130837.3 (MANE Select); 4 bases into the intron after coding-DNA position 843, one base duplicated (A; older notation c.843+4dupA).
Molecular consequence: intron variant.
Genome position (GRCh38, 1-based): chr3:193,631,669, A duplicated; the last of 2 consecutive A bases (chr3:193,631,668-193,631,669); duplicating either gives the same sequence. VCF-style (leftmost placement, unchanged base first): chr3-193631667-T-TA. GRCh37 (hg19) VCF-style: chr3-193349456-T-TA.
Other names: c.306+4dup (NM_001354664.2); c.309+4dup (NM_001354663.2); c.732+4dup (NM_130834.3); c.789+4dup (NM_130836.3); c.678+4dup (NM_015560.3); c.735+4dup (NM_130835.3); c.624+4dup (NM_130832.3); c.681+4dup (NM_130833.3); and 1 more.
Identifiers: ClinVar variation 2965178 (VCV002965178.3), dbSNP rs754110003, ClinGen allele CA2759170.